The following is an entry in ClinVar:

ClinVar aggregate classification (germline): Uncertain significance (1 of 4 stars; one submission).

Conditions:
Charcot-Marie-Tooth disease type 2. Also called: Charcot-Marie-Tooth type 2. Identifiers: Orphanet 64746, MedGen C0270914, MONDO:0018993.

Allele frequency attached by ClinVar (database versions not stated): gnomAD exomes below 0.00001; TOPMed below 0.00001.
gnomAD v4.1: 1 of 1,614,182 alleles (0.000062%); highest among the groups gnomAD compares: African/African-American, 0.0013%; no homozygotes.

Submission:

Labcorp Genetics (formerly Invitae), Labcorp
Classification: Uncertain significance for Charcot-Marie-Tooth disease type 2. Last evaluated: 2020-11-28. Review status: criteria provided, single submitter. Criteria: Invitae Variant Classification Sherloc (09022015). Collection method: clinical testing. Allele origin: germline.
Comment: In summary, the available evidence is currently insufficient to determine the role of this variant in disease. Therefore, it has been classified as a Variant of Uncertain Significance. Algorithms developed to predict the effect of missense changes on protein structure and function are either unavailable or do not agree on the potential impact of this missense change (SIFT: "Deleterious"; PolyPhen-2: "Probably Damaging"; Align-GVGD: "Class C0"). This variant has not been reported in the literature in individuals with BSCL2-related conditions. This variant is not present in population databases (ExAC no frequency). This sequence change replaces proline with threonine at codon 231 of the BSCL2 protein (p.Pro231Thr). The proline residue is highly conserved and there is a small physicochemical difference between proline and threonine.

NM_001122955.4(BSCL2):c.883C>A (p.Pro295Thr)

Genes: BSCL2 (BSCL2 lipid droplet biogenesis associated, seipin; minus strand), HNRNPUL2-BSCL2 (HNRNPUL2-BSCL2 readthrough (NMD candidate); minus strand). Cytogenetic location: 11q12.3.
Variant type: single nucleotide variant.
Coding change: c.883C>A on transcript NM_001122955.4 (MANE Select); coding-DNA position 883, C replaced by A.
Protein change: p.Pro295Thr; replaces proline 295 with threonine.
Molecular consequence: missense variant. On other transcripts: non-coding transcript variant (1), intron variant (1).
Genome position (GRCh38, 1-based): chr11:62,691,402, G>T on the plus strand (C>A on the coding strand, the complement: BSCL2 is on the minus strand). VCF-style: chr11-62691402-G-T. GRCh37 (hg19) VCF-style: chr11-62458874-G-T.
Other names: c.883C>A, p.Pro295Thr (NM_001386027.1, NM_001386028.1); c.691C>A, p.Pro231Thr (NM_032667.6); c.672-261C>A (NM_001130702.2); short protein forms P295T, P231T.
Identifiers: ClinVar variation 1465306 (VCV001465306.8), dbSNP rs935812889, ClinGen allele CA223628919.